The following is an entry in ClinVar:

ClinVar aggregate classification (germline): Uncertain significance (1 of 4 stars; one submission).

Conditions:
Oligodontia-cancer predisposition syndrome. Also called: TOOTH AGENESIS-COLORECTAL CANCER SYNDROME. Identifiers: Orphanet 300576, MedGen C1837750, MONDO:0012075, OMIM 608615. Disease mechanism: loss of function.

Submission:

Labcorp Genetics (formerly Invitae), Labcorp
Classification: Uncertain significance for Oligodontia-cancer predisposition syndrome. Last evaluated: 2021-03-13. Review status: criteria provided, single submitter. Criteria: Invitae Variant Classification Sherloc (09022015). Collection method: clinical testing. Allele origin: germline.
Comment: In summary, the available evidence is currently insufficient to determine the role of this variant in disease. Therefore, it has been classified as a Variant of Uncertain Significance. Algorithms developed to predict the effect of missense changes on protein structure and function output the following: SIFT: "Tolerated"; PolyPhen-2: "Benign"; Align-GVGD: "Class C0". The serine amino acid residue is found in multiple mammalian species, suggesting that this missense change does not adversely affect protein function. These predictions have not been confirmed by published functional studies and their clinical significance is uncertain. This variant has not been reported in the literature in individuals with AXIN2-related conditions. This variant is not present in population databases (ExAC no frequency). This sequence change replaces threonine with serine at codon 586 of the AXIN2 protein (p.Thr586Ser). The threonine residue is weakly conserved and there is a small physicochemical difference between threonine and serine.

NM_004655.4(AXIN2):c.1756A>T (p.Thr586Ser)

Gene: AXIN2 (axin 2; minus strand). Cytogenetic location: 17q24.1.
Variant type: single nucleotide variant.
Coding change: c.1756A>T on transcript NM_004655.4 (MANE Select); coding-DNA position 1756, A replaced by T.
Protein change: p.Thr586Ser; replaces threonine 586 with serine.
Molecular consequence: missense variant. On other transcripts: intron variant (1).
Genome position (GRCh38, 1-based): chr17:65,537,020, T>A on the plus strand (A>T on the coding strand, the complement: AXIN2 is on the minus strand). VCF-style: chr17-65537020-T-A. GRCh37 (hg19) VCF-style: chr17-63533138-T-A.
Other names: c.1712+304A>T (NM_001363813.1); short protein forms T586S.
Identifiers: ClinVar variation 1414146 (VCV001414146.8), dbSNP rs747878470, ClinGen allele CA400676682.